The following is an entry in ClinVar:

NM_001277115.2(DNAH11):c.10348A>G (p.Thr3450Ala)

Gene: DNAH11 (dynein axonemal heavy chain 11; plus strand). Cytogenetic location: 7p15.3.
Variant type: single nucleotide variant.
Coding change: c.10348A>G on transcript NM_001277115.2 (MANE Select); coding-DNA position 10348, A replaced by G.
Protein change: p.Thr3450Ala; replaces threonine 3450 with alanine.
Molecular consequence: missense variant.
Genome position (GRCh38, 1-based): chr7:21,816,482, A>G. VCF-style: chr7-21816482-A-G. GRCh37 (hg19) VCF-style: chr7-21856100-A-G.
Other names: short protein forms T3450A.
Identifiers: ClinVar variation 5035440 (VCV005035440.1).

ClinVar aggregate classification (germline): Uncertain significance (1 of 4 stars; one submission).

Conditions:
Primary ciliary dyskinesia. Also called: Ciliary dyskinesia. Identifiers: Orphanet 244, MedGen C0008780, MONDO:0016575, HP:0012265.

gnomAD v4.1: 20 of 1,606,852 alleles (0.0012%); highest among the groups gnomAD compares: Non-Finnish European, 0.0017%; no homozygotes.

Submission:

Ambry Genetics
Classification: Uncertain significance for Primary ciliary dyskinesia. Last evaluated: 2026-09-06. Review status: criteria provided, single submitter. Criteria: Ambry Variant Classification Scheme 2023. Collection method: clinical testing. Allele origin: germline.
Comment: The p.T3450A variant (also known as c.10348A>G), located in coding exon 64 of the DNAH11 gene, results from an A to G substitution at nucleotide position 10348. The threonine at codon 3450 is replaced by alanine, an amino acid with similar properties. This amino acid position is conserved. In addition, this alteration is predicted to be tolerated by in silico analysis. Based on the available evidence, the clinical significance of this variant remains unclear.